The following is an entry in ClinVar:

NM_004168.4(SDHA):c.551G>A (p.Gly184Glu)

Gene: SDHA (succinate dehydrogenase complex flavoprotein subunit A; plus strand). Cytogenetic location: 5p15.33.
Variant type: single nucleotide variant.
Coding change: c.551G>A on transcript NM_004168.4 (MANE Select); coding-DNA position 551, G replaced by A.
Protein change: p.Gly184Glu; replaces glycine 184 with glutamic acid.
Molecular consequence: missense variant.
Genome position (GRCh38, 1-based): chr5:225,977, G>A. VCF-style: chr5-225977-G-A. GRCh37 (hg19) VCF-style: chr5-226092-G-A.
Other names: c.407G>A, p.Gly136Glu (NM_001294332.2); c.551G>A, p.Gly184Glu (NM_001330758.2); c.551G>A (NM_004168.2); short protein forms G136E, G184E.
Identifiers: ClinVar variation 1007940 (VCV001007940.14), dbSNP rs1579385819, ClinGen allele CA359010371.

ClinVar aggregate classification (germline): Uncertain significance. Review status: criteria provided, multiple submitters, no conflicts (2 of 4 stars). 3 submissions from 3 submitters: Uncertain significance (3). Last evaluated 2026-02-05.

Conditions:
Mitochondrial complex II deficiency, nuclear type 1. Also called: SUCCINATE CoQ REDUCTASE DEFICIENCY. Identifiers: Orphanet 3208, MedGen C5700310, MONDO:0100294, OMIM 252011.
Pheochromocytoma/paraganglioma syndrome 5. Also called: Paragangliomas 5; SDHA-Related Hereditary Paraganglioma-Pheochromocytoma Syndrome. Identifiers: Orphanet 29072, MedGen C3279992, MONDO:0013602, OMIM 614165.
Hereditary cancer-predisposing syndrome. Also called: Tumor predisposition; Hereditary neoplastic syndrome; Neoplastic Syndromes, Hereditary; Hereditary Cancer Syndrome. Identifiers: Orphanet 140162, MedGen C0027672, MeSH D009386, MONDO:0015356.

Submissions (3):

Ambry Genetics
Classification: Uncertain significance for Hereditary cancer-predisposing syndrome. Last evaluated: 2026-02-05. Review status: criteria provided, single submitter. Criteria: Ambry Variant Classification Scheme 2023. Collection method: clinical testing. Allele origin: germline.
Comment: The p.G184E variant (also known as c.551G>A), located in coding exon 5 of the SDHA gene, results from a G to A substitution at nucleotide position 551. The glycine at codon 184 is replaced by glutamic acid, an amino acid with similar properties. This amino acid position is highly conserved in available vertebrate species. In addition, this alteration is predicted to be deleterious by in silico analysis. Based on the available evidence, the clinical significance of this variant remains unclear.

Labcorp Genetics (formerly Invitae), Labcorp
Classification: Uncertain significance for Pheochromocytoma/paraganglioma syndrome 5; Mitochondrial complex II deficiency, nuclear type 1. Last evaluated: 2025-09-04. Review status: criteria provided, single submitter. Criteria: Invitae Variant Classification Sherloc (09022015). Collection method: clinical testing. Allele origin: germline.
Comment: This sequence change replaces glycine, which is neutral and non-polar, with glutamic acid, which is acidic and polar, at codon 184 of the SDHA protein (p.Gly184Glu). This variant is not present in population databases (gnomAD no frequency). This variant has not been reported in the literature in individuals affected with SDHA-related conditions. ClinVar contains an entry for this variant (Variation ID: 1007940). Invitae Evidence Modeling of protein sequence and biophysical properties (such as structural, functional, and spatial information, amino acid conservation, physicochemical variation, residue mobility, and thermodynamic stability) indicates that this missense variant is not expected to disrupt SDHA protein function with a negative predictive value of 95%. In summary, the available evidence is currently insufficient to determine the role of this variant in disease. Therefore, it has been classified as a Variant of Uncertain Significance.

Revvity Omics, Revvity
Classification: Uncertain significance. Last evaluated: 2022-12-07. Review status: criteria provided, single submitter. Criteria: ACMG Guidelines, 2015. Collection method: clinical testing. Allele origin: germline.